The following is an entry in ClinVar:

NM_198586.3(NHLRC1):c.970G>T (p.Ala324Ser)

Gene: NHLRC1 (NHL repeat containing E3 ubiquitin protein ligase 1; minus strand). Cytogenetic location: 6p22.3.
Variant type: single nucleotide variant.
Coding change: c.970G>T on transcript NM_198586.3 (MANE Select); coding-DNA position 970, G replaced by T.
Protein change: p.Ala324Ser; replaces alanine 324 with serine.
Molecular consequence: missense variant.
Genome position (GRCh38, 1-based): chr6:18,121,637, C>A on the plus strand (G>T on the coding strand, the complement: NHLRC1 is on the minus strand). VCF-style: chr6-18121637-C-A. GRCh37 (hg19) VCF-style: chr6-18121868-C-A.
Other names: short protein forms A324S.
Identifiers: ClinVar variation 2098636 (VCV002098636.4), dbSNP rs776454075, ClinGen allele CA3649895.

ClinVar aggregate classification (germline): Uncertain significance (1 of 4 stars; one submission).

Conditions:
Lafora disease. Also called: Epilepsy progressive myoclonic 2; Progressive Myoclonus Epilepsy, Lafora Type. Identifiers: Orphanet 501, MedGen C0751783, MONDO:0009697.

Submission:

Labcorp Genetics (formerly Invitae), Labcorp
Classification: Uncertain significance for Lafora disease. Last evaluated: 2022-07-26. Review status: criteria provided, single submitter. Criteria: Invitae Variant Classification Sherloc (09022015). Collection method: clinical testing. Allele origin: germline.
Comment: Algorithms developed to predict the effect of missense changes on protein structure and function are either unavailable or do not agree on the potential impact of this missense change (SIFT: "Tolerated"; PolyPhen-2: "Probably Damaging"; Align-GVGD: "Class C0"). In summary, the available evidence is currently insufficient to determine the role of this variant in disease. Therefore, it has been classified as a Variant of Uncertain Significance. This variant has not been reported in the literature in individuals affected with NHLRC1-related conditions. This variant is present in population databases (rs776454075, gnomAD 0.006%). This sequence change replaces alanine, which is neutral and non-polar, with serine, which is neutral and polar, at codon 324 of the NHLRC1 protein (p.Ala324Ser).